The following is an entry in ClinVar:

NM_000466.3(PEX1):c.1331C>T (p.Ser444Phe)

Gene: PEX1 (peroxisomal biogenesis factor 1; minus strand). Cytogenetic location: 7q21.2.
Variant type: single nucleotide variant.
Coding change: c.1331C>T on transcript NM_000466.3 (MANE Select); coding-DNA position 1331, C replaced by T.
Protein change: p.Ser444Phe; replaces serine 444 with phenylalanine.
Molecular consequence: missense variant.
Genome position (GRCh38, 1-based): chr7:92,513,876, G>A on the plus strand (C>T on the coding strand, the complement: PEX1 is on the minus strand). VCF-style: chr7-92513876-G-A. GRCh37 (hg19) VCF-style: chr7-92143190-G-A.
Other names: c.1331C>T, p.Ser444Phe (NM_001282677.2); c.707C>T, p.Ser236Phe (NM_001282678.2); short protein forms S236F, S444F.
Identifiers: ClinVar variation 1395426 (VCV001395426.6), dbSNP rs1792597851, ClinGen allele CA368192544.

ClinVar aggregate classification (germline): Uncertain significance. Review status: criteria provided, multiple submitters, no conflicts (2 of 4 stars). 2 submissions from 2 submitters: Uncertain significance (2). Last evaluated 2022-03-09.

Conditions:
Zellweger spectrum disorders (ZS). Also called: Zellweger syndrome; Zellweger Spectrum Disorder; Zellweger Spectrum; Zellweger Spectrum Disorder (ZSD). Identifiers: Orphanet 912, MedGen C0043459, MONDO:0019609.

Allele frequency attached by ClinVar (database versions not stated): TOPMed below 0.00001.

Submissions (2):

Labcorp Genetics (formerly Invitae), Labcorp
Classification: Uncertain significance for Zellweger spectrum disorders. Last evaluated: 2022-03-09. Review status: criteria provided, single submitter. Criteria: Invitae Variant Classification Sherloc (09022015). Collection method: clinical testing. Allele origin: germline.
Comment: This sequence change replaces serine, which is neutral and polar, with phenylalanine, which is neutral and non-polar, at codon 444 of the PEX1 protein (p.Ser444Phe). This variant is not present in population databases (gnomAD no frequency). This variant has not been reported in the literature in individuals affected with PEX1-related conditions. Advanced modeling of protein sequence and biophysical properties (such as structural, functional, and spatial information, amino acid conservation, physicochemical variation, residue mobility, and thermodynamic stability) performed at Invitae indicates that this missense variant is not expected to disrupt PEX1 protein function. In summary, the available evidence is currently insufficient to determine the role of this variant in disease. Therefore, it has been classified as a Variant of Uncertain Significance.

Blueprint Genetics
Classification: Uncertain significance. Last evaluated: 2018-04-18. Review status: criteria provided, single submitter. Criteria: ACMG Guidelines, 2015. Collection method: clinical testing. Allele origin: germline.